The following is an entry in ClinVar:

ClinVar aggregate classification (germline): Benign/Likely benign. Review status: criteria provided, multiple submitters, no conflicts (2 of 4 stars). 3 submissions from 3 submitters: Benign (1); Likely benign (2). Last evaluated 2026-01-09.

Conditions:
Rubinstein-Taybi syndrome due to EP300 haploinsufficiency. Also called: EP300-Related Rubinstein-Taybi Syndrome; RUBINSTEIN-TAYBI SYNDROME 2. Identifiers: Orphanet 353284, Orphanet 783, MedGen C3150941, MONDO:0013364, OMIM 613684.

gnomAD v4.1: 174 of 1,613,982 alleles (0.011%); highest among the groups gnomAD compares: Middle Eastern, 0.049%; no homozygotes.

Submissions (3):

Labcorp Genetics (formerly Invitae), Labcorp
Classification: Benign for Rubinstein-Taybi syndrome due to EP300 haploinsufficiency. Last evaluated: 2026-01-09. Review status: criteria provided, single submitter. Criteria: Invitae Variant Classification Sherloc (09022015). Collection method: clinical testing. Allele origin: germline.

Blueprint Genetics
Classification: Likely benign. Last evaluated: 2024-11-15. Review status: criteria provided, single submitter. Criteria: ACMG Guidelines, 2015. Collection method: clinical testing. Allele origin: germline.

CeGaT Center for Human Genetics Tuebingen
Classification: Likely benign. Last evaluated: 2022-11-01. Review status: criteria provided, single submitter. Criteria: CeGaT Center For Human Genetics Tuebingen Variant Classification Criteria Version 2. Collection method: clinical testing. Allele origin: germline. Affected: yes. Observed: 1 variant allele.
Comment: EP300: BP4, BP7

NM_001429.4(EP300):c.3996C>G (p.Thr1332=)

Gene: EP300 (EP300 lysine acetyltransferase; plus strand). Cytogenetic location: 22q13.2.
Variant type: single nucleotide variant.
Coding change: c.3996C>G on transcript NM_001429.4 (MANE Select); coding-DNA position 3996, C replaced by G.
Protein change: p.Thr1332=; no amino-acid change (threonine 1332 retained).
Molecular consequence: synonymous variant.
Genome position (GRCh38, 1-based): chr22:41,168,570, C>G. VCF-style: chr22-41168570-C-G. GRCh37 (hg19) VCF-style: chr22-41564574-C-G.
Other names: c.3918C>G, p.Thr1306= (NM_001362843.2).
Identifiers: ClinVar variation 2041588 (VCV002041588.29), dbSNP rs142288817, ClinGen allele CA10253300.